The following is an entry in ClinVar:

NM_014874.4(MFN2):c.195A>C (p.Glu65Asp)

Gene: MFN2 (mitofusin 2; plus strand). Cytogenetic location: 1p36.22.
Variant type: single nucleotide variant.
Coding change: c.195A>C on transcript NM_014874.4 (MANE Select); coding-DNA position 195, A replaced by C.
Protein change: p.Glu65Asp; replaces glutamic acid 65 with aspartic acid.
Molecular consequence: missense variant.
Genome position (GRCh38, 1-based): chr1:11,992,574, A>C. VCF-style: chr1-11992574-A-C. GRCh37 (hg19) VCF-style: chr1-12052631-A-C.
Other names: c.195A>C, p.Glu65Asp (NM_001127660.2); c.195A>C (NM_014874.3); short protein forms E65D.
Identifiers: ClinVar variation 1353075 (VCV001353075.7), dbSNP rs1297357606, ClinGen allele CA338461620.

ClinVar aggregate classification (germline): Uncertain significance. Review status: criteria provided, single submitter (1 of 4 stars). 2 submissions from 2 submitters: Uncertain significance (1). 1 of the submissions does not count toward it. Last evaluated 2022-08-25.

Conditions:
MFN2-related disorder. Also called: MFN2-related disorders; MFN2-related condition.
Charcot-Marie-Tooth disease type 2. Also called: Charcot-Marie-Tooth type 2. Identifiers: Orphanet 64746, MedGen C0270914, MONDO:0018993.

Allele frequency attached by ClinVar (database versions not stated): gnomAD exomes below 0.00001.
gnomAD v4.1: 1 of 1,614,206 alleles (0.000062%); highest among the groups gnomAD compares: Admixed American, 0.0017%; no homozygotes.

Submissions (2):

Labcorp Genetics (formerly Invitae), Labcorp
Classification: Uncertain significance for Charcot-Marie-Tooth disease type 2. Last evaluated: 2022-08-25. Review status: criteria provided, single submitter. Criteria: Invitae Variant Classification Sherloc (09022015). Collection method: clinical testing. Allele origin: germline.
Comment: This variant has not been reported in the literature in individuals affected with MFN2-related conditions. This sequence change replaces glutamic acid, which is acidic and polar, with aspartic acid, which is acidic and polar, at codon 65 of the MFN2 protein (p.Glu65Asp). This variant is present in population databases (no rsID available, gnomAD no frequency). ClinVar contains an entry for this variant (Variation ID: 1353075). Advanced modeling of protein sequence and biophysical properties (such as structural, functional, and spatial information, amino acid conservation, physicochemical variation, residue mobility, and thermodynamic stability) performed at Invitae indicates that this missense variant is not expected to disrupt MFN2 protein function. In summary, the available evidence is currently insufficient to determine the role of this variant in disease. Therefore, it has been classified as a Variant of Uncertain Significance.

PreventionGenetics, part of Exact Sciences
Classification: Uncertain significance for MFN2-related condition. Last evaluated: 2024-04-19. Review status: no assertion criteria provided. Collection method: clinical testing. Allele origin: germline. Not counted in ClinVar's aggregate classification.
Comment: The MFN2 c.195A>C variant is predicted to result in the amino acid substitution p.Glu65Asp. To our knowledge, this variant has not been reported in the literature. This variant is reported in 0.0029% of alleles in individuals of Latino descent in gnomAD. At this time, the clinical significance of this variant is uncertain due to the absence of conclusive functional and genetic evidence.